The following is an entry in ClinVar:

NM_001109878.2(TBX22):c.438G>A (p.Pro146=)

Gene: TBX22 (T-box transcription factor 22). Cytogenetic location: Xq21.1.
Variant type: single nucleotide variant.
Coding change: c.438G>A on transcript NM_001109878.2 (MANE Select); coding-DNA position 438, G replaced by A.
Protein change: p.Pro146=; no amino-acid change (proline 146 retained).
Molecular consequence: synonymous variant.
Genome position (GRCh38, 1-based): chrX:80,024,144, G>A. VCF-style: chrX-80024144-G-A. GRCh37 (hg19) VCF-style: chrX-79279643-G-A.
Other names: c.78G>A, p.Pro26= (NM_001109879.2, NM_001303475.1); c.438G>A, p.Pro146= (NM_016954.2).
Identifiers: ClinVar variation 3033069 (VCV003033069.3), dbSNP rs201942455, ClinGen allele CA10461233.
Genomic context (GRCh38, chrX:80,024,144, plus strand): 5'-GGTCAAGGTGAAAGGGTTGGATCCAGGGAAGCAGTACCATGTGGCCATCGATGTGGTGCC[G>A]GTGGATTCCAAACGCTATAGGTAATGGGCCCCATAGAATGGTACTCTATGCCCAGGCTAG-3'
Protein context (NP_001103348.1, residues 136-156): KQYHVAIDVV[Pro146=]VDSKRYRYVY

ClinVar aggregate classification (germline): Likely benign. Review status: criteria provided, single submitter (1 of 4 stars). 2 submissions from 2 submitters: Likely benign (1). 1 of the submissions does not count toward it. Last evaluated 2024-10-30.

Conditions:
TBX22-related disorder. Also called: TBX22-related condition.

Allele frequency attached by ClinVar (database versions not stated): ExAC 0.00003; gnomAD 0.00007; gnomAD exomes 0.00009.
gnomAD v4.1: 113 of 1,208,146 alleles (0.0094%); highest among the groups gnomAD compares: Non-Finnish European, 0.012%; no homozygotes.

Submissions (2):

Blueprint Genetics
Classification: Likely benign. Last evaluated: 2024-10-30. Review status: criteria provided, single submitter. Criteria: ACMG Guidelines, 2015. Collection method: clinical testing. Allele origin: germline.

PreventionGenetics, part of Exact Sciences
Classification: Likely benign for TBX22-related condition. Last evaluated: 2021-02-03. Review status: no assertion criteria provided. Collection method: clinical testing. Allele origin: germline. Not counted in ClinVar's aggregate classification.
Comment: This variant is classified as likely benign based on ACMG/AMP sequence variant interpretation guidelines (Richards et al. 2015 PMID: 25741868, with internal and published modifications).